The following is an entry in ClinVar:

ClinVar aggregate classification (germline): Uncertain significance (1 of 4 stars; one submission).

Conditions:
Hyperekplexia 3 (HKPX3). Also called: HYPEREKPLEXIA 3, AUTOSOMAL RECESSIVE; HYPEREKPLEXIA 3, AUTOSOMAL DOMINANT. Identifiers: Orphanet 3197, MedGen C3553288, MONDO:0013827, OMIM 614618.

gnomAD v4.1: 1 of 1,589,104 alleles (0.000063%); highest among the groups gnomAD compares: Non-Finnish European, 0.000085%; no homozygotes.

Submission:

Labcorp Genetics (formerly Invitae), Labcorp
Classification: Uncertain significance for Hyperekplexia 3. Last evaluated: 2025-09-20. Review status: criteria provided, single submitter. Criteria: Invitae Variant Classification Sherloc (09022015). Collection method: clinical testing. Allele origin: germline.
Comment: This sequence change replaces proline, which is neutral and non-polar, with glutamine, which is neutral and polar, at codon 17 of the SLC6A5 protein (p.Pro17Gln). This variant is not present in population databases (gnomAD no frequency). This variant has not been reported in the literature in individuals affected with SLC6A5-related conditions. Invitae Evidence Modeling of protein sequence and biophysical properties (such as structural, functional, and spatial information, amino acid conservation, physicochemical variation, residue mobility, and thermodynamic stability) indicates that this missense variant is not expected to disrupt SLC6A5 protein function with a negative predictive value of 95%. In summary, the available evidence is currently insufficient to determine the role of this variant in disease. Therefore, it has been classified as a Variant of Uncertain Significance.

NM_004211.5(SLC6A5):c.50C>A (p.Pro17Gln)

Gene: SLC6A5 (solute carrier family 6 member 5; plus strand). Cytogenetic location: 11p15.1.
Variant type: single nucleotide variant.
Coding change: c.50C>A on transcript NM_004211.5 (MANE Select); coding-DNA position 50, C replaced by A.
Protein change: p.Pro17Gln; replaces proline 17 with glutamine.
Molecular consequence: missense variant. On other transcripts: 5 prime UTR variant (1).
Genome position (GRCh38, 1-based): chr11:20,601,175, C>A. VCF-style: chr11-20601175-C-A. GRCh37 (hg19) VCF-style: chr11-20622721-C-A.
Other names: c.-514C>A (NM_001318369.2); short protein forms P17Q.
Identifiers: ClinVar variation 4809611 (VCV004809611.1).
Genomic context (GRCh38, chr11:20,601,175, plus strand): 5'-CATTGTGTTTGCAGGATTGCAGTGCTCCCAAGGAAATGAATAAACTGCCAGCCAACAGCC[C>A]GGAGGCGGCGGCGGCGCAGGGCCACCCGGATGGCCCATGCGCTCCCAGGACGAGCCCGGA-3'
Protein context (NP_004202.4, residues 7-27): KEMNKLPANS[Pro17Gln]EAAAAQGHPD